The following is an entry in ClinVar:

ClinVar aggregate classification (germline): Benign. Review status: criteria provided, multiple submitters, no conflicts (2 of 4 stars). 2 submissions from 2 submitters: Benign (2). Last evaluated 2018-06-14.

Allele frequency attached by ClinVar (database versions not stated): gnomAD 0.24018 and 0.23932; gnomAD exomes 0.26891; TOPMed 0.23664; 1000 Genomes Project 30x 0.22096; 1000 Genomes Project 0.22504.
gnomAD v4.1: 425,492 of 1,598,040 alleles (27%); highest among the groups gnomAD compares: East Asian, 41%; 58,903 homozygotes.

Submissions (2):

GeneDx
Classification: Benign. Last evaluated: 2018-06-14. Review status: criteria provided, single submitter. Criteria: GeneDx Variant Classification (06012015). Collection method: clinical testing. Allele origin: germline. Affected: yes.
Comment: This variant is considered likely benign or benign based on one or more of the following criteria: it is a conservative change, it occurs at a poorly conserved position in the protein, it is predicted to be benign by multiple in silico algorithms, and/or has population frequency not consistent with disease.

Breakthrough Genomics
Classification: Benign. Review status: criteria provided, single submitter. Criteria: ACMG Guidelines, 2015. Collection method: not provided. Allele origin: germline. Inheritance: Autosomal dominant inheritance. Affected: yes.

NM_001083962.2(TCF4):c.1880-65G>A

Gene: TCF4 (transcription factor 4; minus strand). Cytogenetic location: 18q21.2.
Variant type: single nucleotide variant.
Coding change: c.1880-65G>A on transcript NM_001083962.2 (MANE Select); 65 bases into the intron before coding-DNA position 1880, G replaced by A.
Molecular consequence: intron variant.
Genome position (GRCh38, 1-based): chr18:55,228,426, C>T on the plus strand (G>A on the coding strand, the complement: TCF4 is on the minus strand). VCF-style: chr18-55228426-C-T. GRCh37 (hg19) VCF-style: chr18-52895657-C-T.
Other names: c.2186-65G>A (NM_001243226.3); c.1793-65G>A (NM_001369584.1, NM_001369585.1, NM_001348220.1); c.1805-65G>A (NM_001369576.1, NM_001369577.1, NM_001369578.1 and 3 more transcripts); c.1796-65G>A (NM_001369582.1, NM_001369583.1, NM_001348219.2 and 1 more transcripts); c.1808-65G>A (NM_001243227.2, NM_001369575.1, NM_001348218.2 and 1 more transcripts); c.1811-65G>A (NM_001369586.1); c.1868-65G>A (NM_001369571.1, NM_001369572.1, NM_003199.3); c.1880-65G>A (NM_001369567.1, NM_001369568.1); and 14 more.
Identifiers: ClinVar variation 670689 (VCV000670689.2), dbSNP rs10221362, ClinGen allele CA14518468.